The following is an entry in ClinVar:

ClinVar aggregate classification (germline): Uncertain significance (1 of 4 stars; one submission).

Submission:

Dasa
Classification: Uncertain significance. Last evaluated: 2024-07-17. Review status: criteria provided, single submitter. Criteria: DASA Assertion Criteria. Collection method: clinical testing. Allele origin: germline.
Comment: NM_001080424.2(KDM6B):c.4988C>G (p.Ala1663Gly) is a missense variant that results in the substitution of alanine with glycine. This variant is absent from population databases. Computational prediction algorithms are consistent with a benign effect. The currently available literature and clinical evidence are not sufficient to establish a definitive association between this variant and the reported condition. Therefore, this variant is classified as a variant of uncertain significance.

NM_001348716.2(KDM6B):c.4909-38C>G

Gene: KDM6B (lysine demethylase 6B; plus strand). Cytogenetic location: 17p13.1.
Variant type: single nucleotide variant.
Coding change: c.4909-38C>G on transcript NM_001348716.2 (MANE Select); 38 bases into the intron before coding-DNA position 4909, C replaced by G.
Molecular consequence: intron variant. On other transcripts: missense variant (1).
Genome position (GRCh38, 1-based): chr17:7,853,460, C>G. VCF-style: chr17-7853460-C-G. GRCh37 (hg19) VCF-style: chr17-7756778-C-G.
Other names: c.4988C>G, p.Ala1663Gly (NM_001080424.2); short protein forms A1663G.
Identifiers: ClinVar variation 4883357 (VCV004883357.2).